The following is an entry in ClinVar:

ClinVar aggregate classification (germline): Likely pathogenic (0 of 4 stars; one submission).

Conditions:
Retinitis pigmentosa 3. Also called: CHOROIDORETINAL DEGENERATION WITH RETINAL REFLEX IN HETEROZYGOUS WOMEN. Identifiers: Orphanet 791, MedGen C1845667, MONDO:0010227, OMIM 300029.

Submission:

Department of Medical Genetics, Unidade Local de Saúde de Coimbra
Classification: Likely pathogenic for Retinitis pigmentosa 3. Review status: no assertion criteria provided. Collection method: clinical testing. Allele origin: inherited. Inheritance: X-linked inheritance. Affected: yes. Observed: 6 variant alleles, 5 heterozygotes, 1 hemizygote.
Comment: The c.2615_2616del p.(Glu872Glyfs*206) variant in RPGR is a 2‑base pair deletion in the coding sequence that results in a frameshift beginning at codon 872. This alteration replaces the glutamic acid residue with a glycine and introduces a premature termination codon 206 amino acids downstream in the shifted reading frame. This variant was identified in a Portuguese family affected by X‑linked retinitis pigmentosa (XLRP). It segregated with the disease in six affected relatives and was not detected in large population databases.

Literature cited by the submitters: PubMed 42521440.

NM_001034853.2(RPGR):c.2615_2616del (p.Glu872fs)

Gene: RPGR (retinitis pigmentosa GTPase regulator; minus strand). Cytogenetic location: Xp11.4.
Variant type: Deletion.
Coding change: c.2615_2616del on transcript NM_001034853.2 (MANE Select); coding-DNA positions 2615 to 2616, 2 bases deleted (AG; older notation c.2615_2616delAG).
Protein change: p.Glu872fs; shifts the reading frame from glutamic acid 872.
Molecular consequence: frameshift variant. On other transcripts: intron variant (8).
Genome position (GRCh38, 1-based): chrX:38,286,383-38,286,384, CT deleted on the plus strand (AG on the coding strand, the reverse complement: RPGR is on the minus strand); deleting any 2 consecutive bases within chrX:38,286,383-38,286,385 gives the same sequence; the c. name uses the placement nearest the transcript's 3' end. VCF-style (leftmost placement, unchanged base first): chrX-38286382-CCT-C. GRCh37 (hg19) VCF-style: chrX-38145635-CCT-C.
Other names: c.1569+4575_1569+4576del (NM_001367249.1, NM_001367250.1); c.1902+710_1902+711del (NM_001367245.1); c.1386+4575_1386+4576del (NM_001367251.1); c.1719+710_1719+711del (NM_001367246.1); c.1572+4575_1572+4576del (NM_001367247.1); c.1905+710_1905+711del (NM_000328.3); c.1602+4575_1602+4576del (NM_001367248.1); short protein forms E872fs.
Identifiers: ClinVar variation 4856799 (VCV004856799.1).